The following is an entry in ClinVar:

ClinVar aggregate classification (germline): Uncertain significance (1 of 4 stars; one submission).

gnomAD v4.1: 9 of 1,613,528 alleles (0.00056%); highest among the groups gnomAD compares: Non-Finnish European, 0.00076%; no homozygotes.

Submission:

Labcorp Genetics (formerly Invitae), Labcorp
Classification: Uncertain significance. Last evaluated: 2022-02-23. Review status: criteria provided, single submitter. Criteria: Invitae Variant Classification Sherloc (09022015). Collection method: clinical testing. Allele origin: germline.
Comment: This sequence change replaces glutamic acid, which is acidic and polar, with aspartic acid, which is acidic and polar, at codon 1043 of the SLC12A6 protein (p.Glu1043Asp). This variant is not present in population databases (gnomAD no frequency). This variant has not been reported in the literature in individuals affected with SLC12A6-related conditions. Advanced modeling of protein sequence and biophysical properties (such as structural, functional, and spatial information, amino acid conservation, physicochemical variation, residue mobility, and thermodynamic stability) performed at Invitae indicates that this missense variant is not expected to disrupt SLC12A6 protein function. In summary, the available evidence is currently insufficient to determine the role of this variant in disease. Therefore, it has been classified as a Variant of Uncertain Significance.

NM_001365088.1(SLC12A6):c.3129G>C (p.Glu1043Asp)

Gene: SLC12A6 (solute carrier family 12 member 6; minus strand). Cytogenetic location: 15q14.
Variant type: single nucleotide variant.
Coding change: c.3129G>C on transcript NM_001365088.1 (MANE Select); coding-DNA position 3129, G replaced by C.
Protein change: p.Glu1043Asp; replaces glutamic acid 1043 with aspartic acid.
Molecular consequence: missense variant.
Genome position (GRCh38, 1-based): chr15:34,236,113, C>G on the plus strand (G>C on the coding strand, the complement: SLC12A6 is on the minus strand). VCF-style: chr15-34236113-C-G. GRCh37 (hg19) VCF-style: chr15-34528314-C-G.
Other names: c.2952G>C, p.Glu984Asp (NM_001042494.2, NM_001042495.2); c.3102G>C, p.Glu1034Asp (NM_001042496.2); c.3084G>C, p.Glu1028Asp (NM_001042497.2); c.2976G>C, p.Glu992Asp (NM_005135.2); c.3129G>C, p.Glu1043Asp (NM_133647.2); short protein forms E1028D, E992D, E984D, E1034D, E1043D.
Identifiers: ClinVar variation 2053377 (VCV002053377.1), dbSNP rs2509743342, ClinGen allele CA391617650.
Genomic context (GRCh38, chr15:34,236,113, plus strand): 5'-CTTCGCTTTTTGTCCCCGGGATGCCATGTACTTGTCTTTTGTCCAAGTCATGTGCACCTT[C>G]TCCTGATAGGTTTCTGTCTCTTCGTCCTCATCAGAGCCAATGCTGGTCAATCGTAGCATT-3'
Protein context (NP_001352017.1, residues 1033-1053): DEDEETETYQ[Glu1043Asp]KVHMTWTKDK